The following is an entry in ClinVar:

NM_001174089.2(SLC4A11):c.251C>T (p.Ala84Val)

Gene: SLC4A11 (solute carrier family 4 member 11; minus strand). Cytogenetic location: 20p13.
Variant type: single nucleotide variant.
Coding change: c.251C>T on transcript NM_001174089.2 (MANE Select); coding-DNA position 251, C replaced by T.
Protein change: p.Ala84Val; replaces alanine 84 with valine.
Molecular consequence: missense variant. On other transcripts: non-coding transcript variant (1).
Genome position (GRCh38, 1-based): chr20:3,234,608, G>A on the plus strand (C>T on the coding strand, the complement: SLC4A11 is on the minus strand). VCF-style: chr20-3234608-G-A. GRCh37 (hg19) VCF-style: chr20-3215254-G-A.
Other names: c.380C>T, p.Ala127Val (NM_001174090.2); c.251C>T, p.Ala84Val (NM_001363745.2); c.299C>T, p.Ala100Val (NM_032034.4); short protein forms A127V, A100V, A84V.
Identifiers: ClinVar variation 896608 (VCV000896608.6), dbSNP rs145115400, ClinGen allele CA9742373.

ClinVar aggregate classification (germline): Uncertain significance. Review status: criteria provided, multiple submitters, no conflicts (2 of 4 stars). 2 submissions from 2 submitters: Uncertain significance (2). Last evaluated 2022-09-19.

Conditions:
Corneal dystrophy. Identifiers: Orphanet 34533, MedGen C0010036, MONDO:0018102, HP:0001131.

Allele frequency attached by ClinVar (database versions not stated): 1000 Genomes Project 30x 0.00016; 1000 Genomes Project 0.00020; TOPMed 0.00026; gnomAD 0.00031; ExAC 0.00032; gnomAD exomes 0.00033 and 0.00058; ESP Exome Variant Server 0.00038.
gnomAD v4.1: 886 of 1,613,896 alleles (0.055%); highest among the groups gnomAD compares: Non-Finnish European, 0.064%; 3 homozygotes.

Submissions (3):

Labcorp Genetics (formerly Invitae), Labcorp
Classification: Uncertain significance. Last evaluated: 2022-09-19. Review status: criteria provided, single submitter. Criteria: Invitae Variant Classification Sherloc (09022015). Collection method: clinical testing. Allele origin: germline.
Comment: This sequence change replaces alanine, which is neutral and non-polar, with valine, which is neutral and non-polar, at codon 100 of the SLC4A11 protein (p.Ala100Val). This variant is present in population databases (rs145115400, gnomAD 0.1%). This variant has not been reported in the literature in individuals affected with SLC4A11-related conditions. ClinVar contains an entry for this variant (Variation ID: 896608). Algorithms developed to predict the effect of missense changes on protein structure and function output the following: SIFT: "Tolerated"; PolyPhen-2: "Benign"; Align-GVGD: "Class C0". The valine amino acid residue is found in multiple mammalian species, which suggests that this missense change does not adversely affect protein function. Algorithms developed to predict the effect of sequence changes on RNA splicing suggest that this variant may create or strengthen a splice site. In summary, the available evidence is currently insufficient to determine the role of this variant in disease. Therefore, it has been classified as a Variant of Uncertain Significance.

Illumina Laboratory Services, Illumina
Classification: Uncertain significance for Corneal dystrophy. Last evaluated: 2018-01-13. Review status: criteria provided, single submitter. Criteria: ICSL Variant Classification Criteria 13 December 2019. Collection method: clinical testing. Allele origin: germline.

Dr. Peter K. Rogan Lab, Western University
No classification provided (evidence only). Condition: Sarcoma. Review status: no classification provided. Collection method: in vitro. Allele origin: not applicable. Functional consequence: retained intron. Not counted in ClinVar's aggregate classification.